The following is an entry in ClinVar:

NM_014324.6(AMACR):c.290G>A (p.Arg97Gln)

Genes: AMACR (alpha-methylacyl-CoA racemase; minus strand), C1QTNF3-AMACR (C1QTNF3-AMACR readthrough (NMD candidate); minus strand). Cytogenetic location: 5p13.2.
Variant type: single nucleotide variant.
Coding change: c.290G>A on transcript NM_014324.6 (MANE Select); coding-DNA position 290, G replaced by A.
Protein change: p.Arg97Gln; replaces arginine 97 with glutamine.
Molecular consequence: missense variant. On other transcripts: non-coding transcript variant (1).
Genome position (GRCh38, 1-based): chr5:34,005,857, C>T on the plus strand (G>A on the coding strand, the complement: AMACR is on the minus strand). VCF-style: chr5-34005857-C-T. GRCh37 (hg19) VCF-style: chr5-34005962-C-T.
Other names: c.290G>A, p.Arg97Gln (NM_001167595.2, NM_203382.3); short protein forms R97Q.
Identifiers: ClinVar variation 3051697 (VCV003051697.2), dbSNP rs139273474, ClinGen allele CA359383985.

ClinVar aggregate classification (germline): Uncertain significance (0 of 4 stars; one submission).

Conditions:
AMACR-related disorder. Also called: AMACR-related condition; AMACR-Related Disorders.

gnomAD v4.1: 20 of 1,614,016 alleles (0.0012%); highest among the groups gnomAD compares: East Asian, 0.0067%; no homozygotes.

Submission:

PreventionGenetics, part of Exact Sciences
Classification: Uncertain significance for AMACR-related condition. Last evaluated: 2024-02-20. Review status: no assertion criteria provided. Collection method: clinical testing. Allele origin: germline.
Comment: The AMACR c.290G>A variant is predicted to result in the amino acid substitution p.Arg97Gln. To our knowledge, this variant has not been reported in the literature. This variant is reported in 0.0028% of alleles in individuals of Latino descent in gnomAD. At this time, the clinical significance of this variant is uncertain due to the absence of conclusive functional and genetic evidence.